The following is an entry in ClinVar:

NM_001613.4(ACTA2):c.756C>T (p.Ile252=)

Genes: ACTA2 (actin alpha 2, smooth muscle; minus strand), ACTA2-AS1 (ACTA2 antisense RNA 1; plus strand). Cytogenetic location: 10q23.31.
Variant type: single nucleotide variant.
Coding change: c.756C>T on transcript NM_001613.4 (MANE Select); coding-DNA position 756, C replaced by T.
Protein change: p.Ile252=; no amino-acid change (isoleucine 252 retained).
Molecular consequence: synonymous variant. On other transcripts: non-coding transcript variant (1), intron variant (1).
Genome position (GRCh38, 1-based): chr10:88,939,559, G>A on the plus strand (C>T on the coding strand, the complement: ACTA2 is on the minus strand). VCF-style: chr10-88939559-G-A. GRCh37 (hg19) VCF-style: chr10-90699316-G-A.
Other names: c.756C>T, p.Ile252= (NM_001141945.3, NM_001320855.2, NM_001406462.1 and 2 more transcripts); c.645C>T, p.Ile215= (NM_001406466.1); c.627C>T, p.Ile209= (NM_001406467.1, NM_001406468.1, NM_001406469.1); c.617-1317C>T (NM_001406471.1).
Identifiers: ClinVar variation 390719 (VCV000390719.36), dbSNP rs982289637, ClinGen allele CA16606110.

ClinVar aggregate classification (germline): Likely benign. Review status: criteria provided, multiple submitters, no conflicts (2 of 4 stars). 5 submissions from 5 submitters: Likely benign (5). Last evaluated 2025-07-21.

Conditions:
Aortic aneurysm, familial thoracic 6 (AAT6). Also called: FAMILIAL THORACIC AORTIC ANEURYSM WITH LIVEDO RETICULARIS AND IRIS FLOCCULI. Identifiers: MedGen C2673186, MONDO:0012730, OMIM 611788.
Familial thoracic aortic aneurysm and aortic dissection (TAAD). Also called: Thoracic aortic aneurysms and dissections. Identifiers: Orphanet 91387, MedGen C4707243, MONDO:0019625.

Allele frequency attached by ClinVar (database versions not stated): gnomAD 0.00001; TOPMed 0.00001.
gnomAD v4.1: 15 of 1,613,956 alleles (0.00093%); highest among the groups gnomAD compares: Middle Eastern, 0.017%; no homozygotes.

Submissions (5):

Labcorp Genetics (formerly Invitae), Labcorp
Classification: Likely benign for Aortic aneurysm, familial thoracic 6. Last evaluated: 2025-07-21. Review status: criteria provided, single submitter. Criteria: Invitae Variant Classification Sherloc (09022015). Collection method: clinical testing. Allele origin: germline.

CeGaT Center for Human Genetics Tuebingen
Classification: Likely benign. Last evaluated: 2024-03-01. Review status: criteria provided, single submitter. Criteria: CeGaT Center For Human Genetics Tuebingen Variant Classification Criteria Version 2. Collection method: clinical testing. Allele origin: germline. Affected: yes. Observed: 1 variant allele.
Comment: ACTA2: BP4, BP7

All of Us Research Program, National Institutes of Health
Classification: Likely benign for Familial thoracic aortic aneurysm and aortic dissection. Last evaluated: 2023-06-26. Review status: criteria provided, single submitter. Criteria: ACMG Guidelines, 2015. Collection method: clinical testing. Allele origin: germline. Inheritance: Autosomal dominant inheritance. Observed: 2 variant alleles, 2 heterozygotes.
Comment: This study involves interpretation of variants in research participants for the purpose of population health screening. Participant phenotype was not available at the time of variant classification. Additional details can be found in publication PMID: 35346344, PMCID: PMC8962531

GeneDx
Classification: Likely benign. Last evaluated: 2020-07-06. Review status: criteria provided, single submitter. Criteria: GeneDx Variant Classification Process June 2021. Collection method: clinical testing. Allele origin: germline. Affected: yes.

Ambry Genetics
Classification: Likely benign for Familial thoracic aortic aneurysm and aortic dissection. Last evaluated: 2020-01-13. Review status: criteria provided, single submitter. Criteria: Ambry Variant Classification Scheme 2023. Collection method: clinical testing. Allele origin: germline.